The following is an entry in ClinVar:

ClinVar aggregate classification (germline): Uncertain significance. Review status: criteria provided, multiple submitters, no conflicts (2 of 4 stars). 2 submissions from 2 submitters: Uncertain significance (2). Last evaluated 2025-12-24.

Conditions:
Inborn genetic diseases. Identifiers: MedGen C0950123, MeSH D030342.

Allele frequency attached by ClinVar (database versions not stated): ExAC 0.00001; TOPMed 0.00003; gnomAD 0.00005; gnomAD exomes 0.00005.
gnomAD v4.1: 79 of 1,613,942 alleles (0.0049%); highest among the groups gnomAD compares: Non-Finnish European, 0.0062%; no homozygotes.

Submissions (2):

Labcorp Genetics (formerly Invitae), Labcorp
Classification: Uncertain significance. Last evaluated: 2025-12-24. Review status: criteria provided, single submitter. Criteria: Invitae Variant Classification Sherloc (09022015). Collection method: clinical testing. Allele origin: germline.
Comment: This sequence change replaces leucine, which is neutral and non-polar, with valine, which is neutral and non-polar, at codon 378 of the GFM1 protein (p.Leu378Val). This variant is present in population databases (rs755804836, gnomAD 0.006%). This variant has not been reported in the literature in individuals affected with GFM1-related conditions. ClinVar contains an entry for this variant (Variation ID: 2590996). Invitae Evidence Modeling of protein sequence and biophysical properties (such as structural, functional, and spatial information, amino acid conservation, physicochemical variation, residue mobility, and thermodynamic stability) has been performed for this missense variant. However, the output from this modeling did not meet the statistical confidence thresholds required to predict the impact of this variant on GFM1 protein function. In summary, the available evidence is currently insufficient to determine the role of this variant in disease. Therefore, it has been classified as a Variant of Uncertain Significance.

Ambry Genetics
Classification: Uncertain significance for Inborn genetic diseases. Last evaluated: 2023-08-19. Review status: criteria provided, single submitter. Criteria: Ambry Variant Classification Scheme 2023. Collection method: clinical testing. Allele origin: germline.

NM_024996.7(GFM1):c.1132C>G (p.Leu378Val)

Gene: GFM1 (G elongation factor mitochondrial 1; plus strand). Cytogenetic location: 3q25.32.
Variant type: single nucleotide variant.
Coding change: c.1132C>G on transcript NM_024996.7 (MANE Select); coding-DNA position 1132, C replaced by G.
Protein change: p.Leu378Val; replaces leucine 378 with valine.
Molecular consequence: missense variant. On other transcripts: non-coding transcript variant (4), intron variant (1).
Genome position (GRCh38, 1-based): chr3:158,658,970, C>G. VCF-style: chr3-158658970-C-G. GRCh37 (hg19) VCF-style: chr3-158376759-C-G.
Other names: c.1189C>G, p.Leu397Val (NM_001308164.2); c.1132C>G, p.Leu378Val (NM_001308166.2); c.1015C>G, p.Leu339Val (NM_001374356.1); c.907C>G, p.Leu303Val (NM_001374357.1); c.673C>G, p.Leu225Val (NM_001374358.1); c.565C>G, p.Leu189Val (NM_001374359.1, NM_001374360.1); c.448C>G, p.Leu150Val (NM_001374361.1); c.1141-1904C>G (NM_001374355.1); short protein forms L150V, L189V, L225V, L339V, L303V, L397V, L378V.
Identifiers: ClinVar variation 2590996 (VCV002590996.3), dbSNP rs755804836, ClinGen allele CA2682544.
Genomic context (GRCh38, chr3:158,658,970, plus strand): 5'-CTTGACTTCTAGGTAGGTCGATTTGGACAATTAACTTATGTTCGCAGTTATCAGGGAGAG[C>G]TAAAGAAGGGTGACACCATCTATAACACAAGGACAAGAAAGAAAGTACGGTTGCAACGGC-3'
Protein context (NP_079272.4, residues 368-388): LTYVRSYQGE[Leu378Val]KKGDTIYNTR